The following is an entry in ClinVar:

NM_000256.3(MYBPC3):c.1978G>A (p.Val660Met)

Gene: MYBPC3 (myosin binding protein C3; minus strand). Cytogenetic location: 11p11.2.
Variant type: single nucleotide variant.
Coding change: c.1978G>A on transcript NM_000256.3 (MANE Select); coding-DNA position 1978, G replaced by A.
Protein change: p.Val660Met; replaces valine 660 with methionine.
Molecular consequence: missense variant.
Genome position (GRCh38, 1-based): chr11:47,339,740, C>T on the plus strand (G>A on the coding strand, the complement: MYBPC3 is on the minus strand). VCF-style: chr11-47339740-C-T. GRCh37 (hg19) VCF-style: chr11-47361291-C-T.
Other names: p.V660M:GTG>ATG; c.1978G>A, p.Val660Met (LRG_386t1); short protein forms V660M.
Identifiers: ClinVar variation 180960 (VCV000180960.3), dbSNP rs730880560, ClinGen allele CA011589.
Genomic context (GRCh38, chr11:47,339,740, plus strand): 5'-TGGGAGCAGGGTCCCCAGAGATAGGGACGTCCAGACGTAGCTTATTTCCAGCTACAACCA[C>T]AATGGTGTCTGGTATGCGGCCTGGGCAGTCCAGGTGGATCTTGGGAGGTTCTGCAGAAGA-3'
Protein context (NP_000247.2, residues 650-670): DCPGRIPDTI[Val660Met]VVAGNKLRLD

ClinVar aggregate classification (germline): Conflicting classifications of pathogenicity. Review status: criteria provided, conflicting classifications (1 of 4 stars). 2 submissions from 2 submitters: Likely pathogenic (1); Uncertain significance (1). Last evaluated 2023-10-12.

Conditions:
Cardiovascular phenotype. Identifiers: MedGen CN230736.

Submissions (2):

Ambry Genetics
Classification: Uncertain significance for Cardiovascular phenotype. Last evaluated: 2023-10-12. Review status: criteria provided, single submitter. Criteria: Ambry Variant Classification Scheme 2023. Collection method: clinical testing. Allele origin: germline.
Comment: The p.V660M variant (also known as c.1978G>A), located in coding exon 21 of the MYBPC3 gene, results from a G to A substitution at nucleotide position 1978. The valine at codon 660 is replaced by methionine, an amino acid with highly similar properties. This amino acid position is not well conserved in available vertebrate species. In addition, this alteration is predicted to be tolerated by in silico analysis. Since supporting evidence is limited at this time, the clinical significance of this alteration remains unclear.

GeneDx
Classification: Likely pathogenic. Last evaluated: 2012-06-01. Review status: criteria provided, single submitter. Criteria: GeneDx Variant Classification (06012015). Collection method: clinical testing. Allele origin: germline. Affected: yes.
Comment: p.Val660Met (GTG>ATG): c.1978 G>A in exon 21 of the MYBPC3 gene (NM_000256.3)The Val660Met variant in the MYBPC3 gene has not been reported as a disease-causing mutation or as a benign polymorphism, to our knowledge. Val660Met results in a conservative amino acid substitution of a neutral non-polar amino acid with another; however, Val660 is conserved across species and in silico analysis predicts Val660Met is probably damaging to protein structure or function. A mutation in a nearby codon (Val662Ala) has been reported in association with cardiomyopathy, further supporting the functional importance of this region of the protein. Additionally, the NHLBI ESP Exome Variant Server reports Val660Met was not observed in approximately 4,900 samples from individuals of European and African American backgrounds, indicating it is not a common variant in these populations. In summary, with the clinical and molecular information available at this time, we cannot unequivocally determine the clinical significance of the Val660Met variant in the MYBPC3 gene, although evidence suggests it is likely disease-causing. Mutations in the MYBPC3 gene have been reported in 20%-30% of patients with autosomal dominant familial hypertrophic cardiomyopathy, and have been reported less frequently in patients with autosomal dominant familial dilated cardiomyopathy (Cirino A et al., 2011; Hershberger R et al., 2009). The variant is found in HCM panel(s).